The following is an entry in ClinVar:

NM_001378457.1(DMXL2):c.1161C>T (p.Gly387=)

Gene: DMXL2 (Dmx like 2; minus strand). Cytogenetic location: 15q21.2.
Variant type: single nucleotide variant.
Coding change: c.1161C>T on transcript NM_001378457.1 (MANE Select); coding-DNA position 1161, C replaced by T.
Protein change: p.Gly387=; no amino-acid change (glycine 387 retained).
Molecular consequence: synonymous variant. On other transcripts: non-coding transcript variant (2), intron variant (1).
Genome position (GRCh38, 1-based): chr15:51,538,397, G>A on the plus strand (C>T on the coding strand, the complement: DMXL2 is on the minus strand). VCF-style: chr15-51538397-G-A. GRCh37 (hg19) VCF-style: chr15-51830594-G-A.
Other names: c.1161C>T, p.Gly387= (NM_001174116.3, NM_001174117.3, NM_001378458.1 and 6 more transcripts); c.1106-638C>T (NM_001378464.1); c.1161C>T (NM_001174116.1).
Identifiers: ClinVar variation 2785771 (VCV002785771.4), dbSNP rs2548614978, ClinGen allele CA490598486.

ClinVar aggregate classification (germline): Likely benign. Review status: criteria provided, multiple submitters, no conflicts (2 of 4 stars). 2 submissions from 2 submitters: Likely benign (2). Last evaluated 2026-05-29.

Conditions:
DMXL2-related disorder. Also called: DMXL2-related condition.

Submissions (2):

PreventionGenetics, part of Exact Sciences
Classification: Likely benign for DMXL2-related condition. Last evaluated: 2026-05-29. Review status: criteria provided, single submitter. Criteria: ACMG Guidelines, 2015. Collection method: clinical testing. Allele origin: germline.
Comment: This variant is classified as likely benign based on ACMG/AMP sequence variant interpretation guidelines (Richards et al. 2015 PMID: 25741868, with internal and published modifications).

Labcorp Genetics (formerly Invitae), Labcorp
Classification: Likely benign. Last evaluated: 2023-05-20. Review status: criteria provided, single submitter. Criteria: Invitae Variant Classification Sherloc (09022015). Collection method: clinical testing. Allele origin: germline.